The following is an entry in ClinVar:

ClinVar aggregate classification (germline): Uncertain significance. Review status: criteria provided, multiple submitters, no conflicts (2 of 4 stars). 2 submissions from 2 submitters: Uncertain significance (2). Last evaluated 2023-07-15.

Conditions:
Inborn genetic diseases. Identifiers: MedGen C0950123, MeSH D030342.

Allele frequency attached by ClinVar (database versions not stated): gnomAD exomes below 0.00001; TOPMed below 0.00001; gnomAD 0.00001.
gnomAD v4.1: 2 of 1,613,266 alleles (0.00012%); highest among the groups gnomAD compares: Non-Finnish European, 0.00017%; no homozygotes.

Submissions (2):

GeneDx
Classification: Uncertain significance. Last evaluated: 2023-07-15. Review status: criteria provided, single submitter. Criteria: GeneDx Variant Classification Process June 2021. Collection method: clinical testing. Allele origin: germline. Affected: yes.
Comment: Not observed at significant frequency in large population cohorts (gnomAD); In silico analysis supports that this missense variant does not alter protein structure/function; Has not been previously published as pathogenic or benign to our knowledge

Ambry Genetics
Classification: Uncertain significance for Inborn genetic diseases. Last evaluated: 2023-01-04. Review status: criteria provided, single submitter. Criteria: Ambry Variant Classification Scheme 2023. Collection method: clinical testing. Allele origin: germline.
Comment: The p.I1225M variant (also known as c.3675C>G), located in coding exon 19 of the ATR gene, results from a C to G substitution at nucleotide position 3675. The isoleucine at codon 1225 is replaced by methionine, an amino acid with highly similar properties. This amino acid position is conserved. In addition, this alteration is predicted to be tolerated by in silico analysis. Since supporting evidence is limited at this time, the clinical significance of this alteration remains unclear.

NM_001184.4(ATR):c.3675C>G (p.Ile1225Met)

Gene: ATR (ATR checkpoint kinase; minus strand). Cytogenetic location: 3q23.
Variant type: single nucleotide variant.
Coding change: c.3675C>G on transcript NM_001184.4 (MANE Select); coding-DNA position 3675, C replaced by G.
Protein change: p.Ile1225Met; replaces isoleucine 1225 with methionine.
Molecular consequence: missense variant.
Genome position (GRCh38, 1-based): chr3:142,538,532, G>C on the plus strand (C>G on the coding strand, the complement: ATR is on the minus strand). VCF-style: chr3-142538532-G-C. GRCh37 (hg19) VCF-style: chr3-142257374-G-C.
Other names: c.3483C>G, p.Ile1161Met (NM_001354579.2); short protein forms I1161M, I1225M.
Identifiers: ClinVar variation 3221136 (VCV003221136.2), dbSNP rs2033939279, ClinGen allele CA354807472.